The following is an entry in ClinVar:

ClinVar aggregate classification (germline): Conflicting classifications of pathogenicity. Review status: criteria provided, conflicting classifications (1 of 4 stars). 4 submissions from 4 submitters: Uncertain significance (2); Likely benign (2). Last evaluated 2025-11-19.

Conditions:
Cardiovascular phenotype. Identifiers: MedGen CN230736.
Arrhythmogenic cardiomyopathy with wooly hair and keratoderma. Also called: Dilated cardiomyopathy with woolly hair and keratoderma; Arrhythmogenic cardiomyopathy with woolly hair and keratoderma; PALMOPLANTAR KERATODERMA WITH LEFT VENTRICULAR CARDIOMYOPATHY AND WOOLLY HAIR; Carvajal syndrome. Identifiers: Orphanet 65282, MedGen C1854063, MONDO:0011581, OMIM 605676.
Arrhythmogenic right ventricular dysplasia 8 (ARVD8). Also called: Arrhythmogenic Right Ventricular Dysplasia/Cardiomyopathy 8; ARRHYTHMOGENIC RIGHT VENTRICULAR DYSPLASIA, FAMILIAL, 8; ARRHYTHMOGENIC RIGHT VENTRICULAR CARDIOMYOPATHY 8. Identifiers: MedGen C1843896, MONDO:0011831, OMIM 607450.
Cardiomyopathy (CMYO). Also called: Cardiomyopathies. Identifiers: Orphanet 167848, MedGen C0878544, MONDO:0004994, HP:0001638. Inheritance: Various modes of inheritance.

Allele frequency attached by ClinVar (database versions not stated): ExAC 0.00002; gnomAD exomes 0.00002 and 0.00001; TOPMed 0.00002; gnomAD 0.00003; ESP Exome Variant Server 0.00008.
gnomAD v4.1: 12 of 1,614,006 alleles (0.00074%); highest among the groups gnomAD compares: African/African-American, 0.0027%; no homozygotes.

Submissions (4):

Ambry Genetics
Classification: Likely benign for Cardiovascular phenotype. Last evaluated: 2025-11-19. Review status: criteria provided, single submitter. Criteria: Ambry Variant Classification Scheme 2023. Collection method: clinical testing. Allele origin: germline.

Labcorp Genetics (formerly Invitae), Labcorp
Classification: Likely benign for Arrhythmogenic cardiomyopathy with wooly hair and keratoderma; Arrhythmogenic right ventricular dysplasia 8. Last evaluated: 2025-09-03. Review status: criteria provided, single submitter. Criteria: Invitae Variant Classification Sherloc (09022015). Collection method: clinical testing. Allele origin: germline.

Color Diagnostics, LLC DBA Color Health
Classification: Uncertain significance for Cardiomyopathy. Last evaluated: 2024-03-06. Review status: criteria provided, single submitter. Criteria: ACMG Guidelines, 2015. Collection method: clinical testing. Allele origin: germline.
Comment: This missense variant replaces isoleucine with valine at codon 1525 of the DSP protein. Computational prediction suggests that this variant may not impact protein structure and function (internally defined REVEL score threshold <= 0.5, PMID: 27666373). To our knowledge, functional studies have not been reported for this variant. This variant has not been reported in individuals affected with DSP-related disorders in the literature. This variant has been identified in 4/250358 chromosomes in the general population by the Genome Aggregation Database (gnomAD). The available evidence is insufficient to determine the role of this variant in disease conclusively. Therefore, this variant is classified as a Variant of Uncertain Significance.

Laboratory for Molecular Medicine, Mass General Brigham Personalized Medicine
Classification: Uncertain significance. Last evaluated: 2012-06-06. Review status: criteria provided, single submitter. Criteria: LMM Criteria. Collection method: clinical testing. Allele origin: germline. Observed: 1 variant allele.
Comment: Variant classified as Uncertain Significance - Favor Benign. The Ile1525Val vari ant in DSP has not been reported in the literature nor previously identified by our laboratory. This variant has been identified in 1/7020 European American chr omosomes from a broad population by the NHLBI Exome Sequencing Project (dbSNP rs145796901), though this could represent a pre symptomatic individual in the general population. Computational analyses (bioche mical amino acid properties, conservation, AlignGVGD, PolyPhen2, and SIFT) sugge st that this variant may not impact the protein, though this information is not predictive enough to rule out pathogenicity. Additional information is needed to fully assess the clinical significance of this variant.

NM_004415.4(DSP):c.4573A>G (p.Ile1525Val)

Gene: DSP (desmoplakin; plus strand). Cytogenetic location: 6p24.3.
Variant type: single nucleotide variant.
Coding change: c.4573A>G on transcript NM_004415.4 (MANE Select); coding-DNA position 4573, A replaced by G.
Protein change: p.Ile1525Val; replaces isoleucine 1525 with valine.
Molecular consequence: missense variant. On other transcripts: intron variant (2).
Genome position (GRCh38, 1-based): chr6:7,580,763, A>G. VCF-style: chr6-7580763-A-G. GRCh37 (hg19) VCF-style: chr6-7580996-A-G.
Other names: c.4050+523A>G (NM_001319034.2); c.3582+991A>G (NM_001008844.3); short protein forms I1525V.
Identifiers: ClinVar variation 44918 (VCV000044918.19), dbSNP rs145796901, ClinGen allele CA004548.